The following is an entry in ClinVar:

ClinVar aggregate classification (germline): Uncertain significance (1 of 4 stars; one submission).

Conditions:
Hereditary cancer-predisposing syndrome. Also called: Neoplastic Syndromes, Hereditary; Tumor predisposition; Hereditary neoplastic syndrome; Hereditary Cancer Syndrome. Identifiers: Orphanet 140162, MedGen C0027672, MeSH D009386, MONDO:0015356.

Submission:

Ambry Genetics
Classification: Uncertain significance for Hereditary cancer-predisposing syndrome. Last evaluated: 2026-07-06. Review status: criteria provided, single submitter. Criteria: Ambry Variant Classification Scheme 2023. Collection method: clinical testing. Allele origin: germline.
Comment: The p.S121Y variant (also known as c.362C>A), located in coding exon 2 of the NTHL1 gene, results from a C to A substitution at nucleotide position 362. The serine at codon 121 is replaced by tyrosine, an amino acid with dissimilar properties. This amino acid position is conserved. In addition, this alteration is predicted to be tolerated by in silico analysis. Based on the available evidence, the clinical significance of this variant remains unclear.

NM_002528.7(NTHL1):c.338C>A (p.Ser113Tyr)

Gene: NTHL1 (nth like DNA glycosylase 1; minus strand). Cytogenetic location: 16p13.3.
Variant type: single nucleotide variant.
Coding change: c.338C>A on transcript NM_002528.7 (MANE Select); coding-DNA position 338, C replaced by A.
Protein change: p.Ser113Tyr; replaces serine 113 with tyrosine.
Molecular consequence: missense variant. On other transcripts: intron variant (1).
Genome position (GRCh38, 1-based): chr16:2,046,144, G>T on the plus strand (C>A on the coding strand, the complement: NTHL1 is on the minus strand). VCF-style: chr16-2046144-G-T. GRCh37 (hg19) VCF-style: chr16-2096145-G-T.
Other names: c.338C>A, p.Ser113Tyr (NM_001318193.2); c.24+136C>A (NM_001318194.2); short protein forms S113Y.
Identifiers: ClinVar variation 5025890 (VCV005025890.1).